The following is an entry in ClinVar:

ClinVar aggregate classification (germline): Uncertain significance (1 of 4 stars; one submission).

Submission:

Greenwood Genetic Center Diagnostic Laboratories, Greenwood Genetic Center
Classification: Uncertain significance. Last evaluated: 2024-05-03. Review status: criteria provided, single submitter. Criteria: ACMG Guidelines, 2015. Collection method: clinical testing. Allele origin: germline. Affected: yes.
Comment: Gene of Uncertain Significance

NM_001080421.3(UNC13A):c.1930C>A (p.Leu644Ile)

Gene: UNC13A (unc-13 homolog A; minus strand). Cytogenetic location: 19p13.11.
Variant type: single nucleotide variant.
Coding change: c.1930C>A on transcript NM_001080421.3 (MANE Select); coding-DNA position 1930, C replaced by A.
Protein change: p.Leu644Ile; replaces leucine 644 with isoleucine.
Molecular consequence: missense variant.
Genome position (GRCh38, 1-based): chr19:17,647,379, G>T on the plus strand (C>A on the coding strand, the complement: UNC13A is on the minus strand). VCF-style: chr19-17647379-G-T. GRCh37 (hg19) VCF-style: chr19-17758188-G-T.
Other names: c.1924C>A, p.Leu642Ile (NM_001387021.1, NM_001387022.1, NM_001387023.1); short protein forms L642I, L644I.
Identifiers: ClinVar variation 3338624 (VCV003338624.1).